The following is an entry in ClinVar:

NM_030665.4(RAI1):c.2847G>A (p.Met949Ile)

Gene: RAI1 (retinoic acid induced 1; plus strand). Cytogenetic location: 17p11.2.
Variant type: single nucleotide variant.
Coding change: c.2847G>A on transcript NM_030665.4 (MANE Select); coding-DNA position 2847, G replaced by A.
Protein change: p.Met949Ile; replaces methionine 949 with isoleucine.
Molecular consequence: missense variant.
Genome position (GRCh38, 1-based): chr17:17,795,795, G>A. VCF-style: chr17-17795795-G-A. GRCh37 (hg19) VCF-style: chr17-17699109-G-A.
Other names: short protein forms M949I.
Identifiers: ClinVar variation 2001771 (VCV002001771.4), dbSNP rs2508583791, ClinGen allele CA398552118.

ClinVar aggregate classification (germline): Uncertain significance (1 of 4 stars; one submission).

Submission:

Labcorp Genetics (formerly Invitae), Labcorp
Classification: Uncertain significance. Last evaluated: 2022-06-01. Review status: criteria provided, single submitter. Criteria: Invitae Variant Classification Sherloc (09022015). Collection method: clinical testing. Allele origin: germline.
Comment: Algorithms developed to predict the effect of missense changes on protein structure and function (SIFT, PolyPhen-2, Align-GVGD) all suggest that this variant is likely to be tolerated. This variant has not been reported in the literature in individuals affected with RAI1-related conditions. This variant is not present in population databases (gnomAD no frequency). This sequence change replaces methionine, which is neutral and non-polar, with isoleucine, which is neutral and non-polar, at codon 949 of the RAI1 protein (p.Met949Ile). In summary, the available evidence is currently insufficient to determine the role of this variant in disease. Therefore, it has been classified as a Variant of Uncertain Significance.